The following is an entry in ClinVar:

ClinVar aggregate classification (germline): Likely benign. Review status: criteria provided, multiple submitters, no conflicts (2 of 4 stars). 3 submissions from 3 submitters: Likely benign (3). Last evaluated 2025-10-12.

Conditions:
Hereditary cancer-predisposing syndrome. Also called: Tumor predisposition; Hereditary neoplastic syndrome; Hereditary Cancer Syndrome; Neoplastic Syndromes, Hereditary. Identifiers: Orphanet 140162, MedGen C0027672, MeSH D009386, MONDO:0015356.

Submissions (3):

Labcorp Genetics (formerly Invitae), Labcorp
Classification: Likely benign. Last evaluated: 2025-10-12. Review status: criteria provided, single submitter. Criteria: Invitae Variant Classification Sherloc (09022015). Collection method: clinical testing. Allele origin: germline.

CeGaT Center for Human Genetics Tuebingen
Classification: Likely benign. Last evaluated: 2025-08-01. Review status: criteria provided, single submitter. Criteria: CeGaT Center For Human Genetics Tuebingen Variant Classification Criteria Version 2. Collection method: clinical testing. Allele origin: germline. Affected: yes. Observed: 1 variant allele.
Comment: MSH3: PM2:Supporting, BP4, BP7

Ambry Genetics
Classification: Likely benign for Hereditary cancer-predisposing syndrome. Last evaluated: 2022-05-31. Review status: criteria provided, single submitter. Criteria: Ambry Variant Classification Scheme 2023. Collection method: clinical testing. Allele origin: germline.

NM_002439.5(MSH3):c.2049G>A (p.Glu683=)

Gene: MSH3 (mutS homolog 3; plus strand). Cytogenetic location: 5q14.1.
Variant type: single nucleotide variant.
Coding change: c.2049G>A on transcript NM_002439.5 (MANE Select); coding-DNA position 2049, G replaced by A.
Protein change: p.Glu683=; no amino-acid change (glutamic acid 683 retained).
Molecular consequence: synonymous variant.
Genome position (GRCh38, 1-based): chr5:80,768,085, G>A. VCF-style: chr5-80768085-G-A. GRCh37 (hg19) VCF-style: chr5-80063904-G-A.
Identifiers: ClinVar variation 1143000 (VCV001143000.19), dbSNP rs1315205398, ClinGen allele CA445162993.